The following is an entry in ClinVar:

NM_031857.2(PCDHA9):c.1845G>C (p.Thr615=)

Genes: PCDHA1 (protocadherin alpha 1; plus strand), PCDHA2 (protocadherin alpha 2; plus strand), PCDHA3 (protocadherin alpha 3; plus strand), PCDHA4 (protocadherin alpha 4; plus strand), PCDHA5 (protocadherin alpha 5; plus strand) and 5 more. Cytogenetic location: 5q31.3.
Variant type: single nucleotide variant.
Coding change: c.1845G>C on transcript NM_031857.2 (MANE Select); coding-DNA position 1845, G replaced by C.
Protein change: p.Thr615=; no amino-acid change (threonine 615 retained).
Molecular consequence: synonymous variant. On other transcripts: intron variant (10).
Genome position (GRCh38, 1-based): chr5:140,850,340, G>C. VCF-style: chr5-140850340-G-C. GRCh37 (hg19) VCF-style: chr5-140229925-G-C.
Other names: c.1845G>C, p.Thr615= (NM_014005.5); c.2394+61656G>C (NM_018900.4); c.1602+62448G>C (NM_031411.3); c.2388+52988G>C (NM_018905.3); c.2394+46749G>C (NM_018906.3); c.2385+40768G>C (NM_018907.4); c.2352+26213G>C (NM_018908.3); c.2394+19855G>C (NM_018909.4); and 3 more.
Identifiers: ClinVar variation 3057223 (VCV003057223.2), dbSNP rs58792000, ClinGen allele CA3450632.

ClinVar aggregate classification (germline): Likely benign (0 of 4 stars; one submission).

Conditions:
PCDHA9-related disorder. Also called: PCDHA9-related condition.

Allele frequency attached by ClinVar (database versions not stated): 1000 Genomes Project 30x 0.07089; gnomAD exomes 0.00817; TOPMed 0.06493; gnomAD 0.05871.
gnomAD v4.1: 21,012 of 1,597,592 alleles (1.3%); highest among the groups gnomAD compares: African/African-American, 20%; 2,634 homozygotes.

Submission:

PreventionGenetics, part of Exact Sciences
Classification: Likely benign for PCDHA9-related condition. Last evaluated: 2020-09-30. Review status: no assertion criteria provided. Collection method: clinical testing. Allele origin: germline.
Comment: This variant is classified as likely benign based on ACMG/AMP sequence variant interpretation guidelines (Richards et al. 2015 PMID: 25741868, with internal and published modifications).